The following is an entry in ClinVar:

NM_001354604.2(MITF):c.706A>T (p.Ser236Cys)

Gene: MITF (melanocyte inducing transcription factor; plus strand). Cytogenetic location: 3p13.
Variant type: single nucleotide variant.
Coding change: c.706A>T on transcript NM_001354604.2 (MANE Select); coding-DNA position 706, A replaced by T.
Protein change: p.Ser236Cys; replaces serine 236 with cysteine.
Molecular consequence: missense variant.
Genome position (GRCh38, 1-based): chr3:69,941,275, A>T. VCF-style: chr3-69941275-A-T. GRCh37 (hg19) VCF-style: chr3-69990426-A-T.
Other names: c.385A>T, p.Ser129Cys (NM_000248.4, NM_198158.3); c.550A>T, p.Ser184Cys (NM_001184967.2, NM_001354608.2); c.703A>T, p.Ser235Cys (NM_001354605.2, NM_001354606.2, NM_006722.3); c.655A>T, p.Ser219Cys (NM_001354607.2); c.706A>T, p.Ser236Cys (NM_198159.3); c.658A>T, p.Ser220Cys (NM_198177.3); c.217A>T, p.Ser73Cys (NM_198178.3); short protein forms S219C, S220C, S235C, S184C, S236C, S73C, S129C.
Identifiers: ClinVar variation 4782451 (VCV004782451.2).

ClinVar aggregate classification (germline): Uncertain significance. Review status: criteria provided, multiple submitters, no conflicts (2 of 4 stars). 2 submissions from 2 submitters: Uncertain significance (2). Last evaluated 2026-05-22.

Conditions:
Melanoma, cutaneous malignant, susceptibility to, 8. Also called: MELANOMA AND RENAL CELL CARCINOMA, SUSCEPTIBILITY TO; Cutaneous malignant melanoma 8. Identifiers: Orphanet 293822, MedGen C3152204, MONDO:0013759, OMIM 614456.
Tietz syndrome (TADS). Also called: ALBINISM-DEAFNESS OF TIETZ; HYPOPIGMENTATION/DEAFNESS OF TIETZ; TIETZ ALBINISM-DEAFNESS SYNDROME. Identifiers: Orphanet 42665, MedGen C0391816, MONDO:0007077, OMIM 103500.
Waardenburg syndrome type 2A (WS2A). Also called: WAARDENBURG SYNDROME WITHOUT DYSTOPIA CANTHORUM. Identifiers: Orphanet 3440, MedGen C1860339, MONDO:0008671, OMIM 193510.
Hereditary cancer-predisposing syndrome. Also called: Hereditary neoplastic syndrome; Neoplastic Syndromes, Hereditary; Tumor predisposition; Hereditary Cancer Syndrome. Identifiers: Orphanet 140162, MedGen C0027672, MeSH D009386, MONDO:0015356.

Submissions (2):

Ambry Genetics
Classification: Uncertain significance for Hereditary cancer-predisposing syndrome. Last evaluated: 2026-05-22. Review status: criteria provided, single submitter. Criteria: Ambry Variant Classification Scheme 2023. Collection method: clinical testing. Allele origin: germline.
Comment: The p.S129C variant (also known as c.385A>T), located in coding exon 4 of the MITF gene, results from an A to T substitution at nucleotide position 385. The serine at codon 129 is replaced by cysteine, an amino acid with dissimilar properties. This amino acid position is conserved. In addition, the in silico prediction for this alteration is inconclusive. Based on the available evidence, the clinical significance of this variant remains unclear.

Labcorp Genetics (formerly Invitae), Labcorp
Classification: Uncertain significance for Melanoma, cutaneous malignant, susceptibility to, 8; Waardenburg syndrome type 2A; Tietz syndrome. Last evaluated: 2025-05-18. Review status: criteria provided, single submitter. Criteria: Invitae Variant Classification Sherloc (09022015). Collection method: clinical testing. Allele origin: germline.
Comment: This sequence change replaces serine, which is neutral and polar, with cysteine, which is neutral and slightly polar, at codon 129 of the MITF protein (p.Ser129Cys). This variant is not present in population databases (gnomAD no frequency). This variant has not been reported in the literature in individuals affected with MITF-related conditions. Invitae Evidence Modeling of protein sequence and biophysical properties (such as structural, functional, and spatial information, amino acid conservation, physicochemical variation, residue mobility, and thermodynamic stability) indicates that this missense variant is expected to disrupt MITF protein function with a positive predictive value of 80%. In summary, the available evidence is currently insufficient to determine the role of this variant in disease. Therefore, it has been classified as a Variant of Uncertain Significance.